The following is an entry in ClinVar:

ClinVar aggregate classification (germline): Uncertain significance (1 of 4 stars; one submission).

Submission:

Ambry Genetics
Classification: Uncertain significance. Last evaluated: 2022-04-19. Review status: criteria provided, single submitter. Criteria: Ambry Variant Classification Scheme 2023. Collection method: clinical testing. Allele origin: germline.
Comment: The p.N988K variant (also known as c.2964C>G), located in coding exon 16 of the PALLD gene, results from a C to G substitution at nucleotide position 2964. The asparagine at codon 988 is replaced by lysine, an amino acid with similar properties. This amino acid position is conserved. In addition, the in silico prediction for this alteration is inconclusive. Since supporting evidence is limited at this time, the clinical significance of this alteration remains unclear.

NM_001166108.2(PALLD):c.3015C>G (p.Asn1005Lys)

Genes: CBR4 (carbonyl reductase 4; minus strand), PALLD (palladin, cytoskeletal associated protein; plus strand). Cytogenetic location: 4q32.3.
Variant type: single nucleotide variant.
Coding change: c.3015C>G on transcript NM_001166108.2 (MANE Select); coding-DNA position 3015, C replaced by G.
Protein change: p.Asn1005Lys; replaces asparagine 1005 with lysine.
Molecular consequence: missense variant.
Genome position (GRCh38, 1-based): chr4:168,921,698, C>G. VCF-style: chr4-168921698-C-G. GRCh37 (hg19) VCF-style: chr4-169842849-C-G.
Other names: c.1818C>G, p.Asn606Lys (NM_001166109.2); c.1503C>G, p.Asn501Lys (NM_001166110.2); c.843C>G, p.Asn281Lys (NM_001367567.1, NM_001367569.1); c.894C>G, p.Asn298Lys (NM_001367568.1, NM_001367570.1); c.2964C>G, p.Asn988Lys (NM_016081.4); short protein forms N606K, N298K, N501K, N281K, N988K, N1005K.
Identifiers: ClinVar variation 1798196 (VCV001798196.3), dbSNP rs1239568292, ClinGen allele CA358709578.